The following is an entry in ClinVar:

ClinVar aggregate classification (germline): Likely benign. Review status: criteria provided, multiple submitters, no conflicts (2 of 4 stars). 3 submissions from 3 submitters: Likely benign (3). Last evaluated 2025-07-31.

Conditions:
CPSF1-related disorder. Also called: CPSF1-related condition.

gnomAD v4.1: 2,837 of 1,575,046 alleles (0.18%); highest among the groups gnomAD compares: Non-Finnish European, 0.21%; 2 homozygotes.

Submissions (3):

PreventionGenetics, part of Exact Sciences
Classification: Likely benign for CPSF1-related condition. Last evaluated: 2025-07-31. Review status: criteria provided, single submitter. Criteria: ACMG Guidelines, 2015. Collection method: clinical testing. Allele origin: germline.
Comment: This variant is classified as likely benign based on ACMG/AMP sequence variant interpretation guidelines (Richards et al. 2015 PMID: 25741868, with internal and published modifications).

CeGaT Center for Human Genetics Tuebingen
Classification: Likely benign. Last evaluated: 2024-12-01. Review status: criteria provided, single submitter. Criteria: CeGaT Center For Human Genetics Tuebingen Variant Classification Criteria Version 2. Collection method: clinical testing. Allele origin: germline. Affected: yes. Observed: 1 variant allele.
Comment: CPSF1: BP4, BP7

Blueprint Genetics
Classification: Likely benign. Last evaluated: 2024-11-08. Review status: criteria provided, single submitter. Criteria: ACMG Guidelines, 2015. Collection method: clinical testing. Allele origin: germline.

NM_013291.3(CPSF1):c.4080G>A (p.Leu1360=)

Gene: CPSF1 (cleavage and polyadenylation specific factor 1; minus strand). Cytogenetic location: 8q24.3.
Variant type: single nucleotide variant.
Coding change: c.4080G>A on transcript NM_013291.3 (MANE Select); coding-DNA position 4080, G replaced by A.
Protein change: p.Leu1360=; no amino-acid change (leucine 1360 retained).
Molecular consequence: synonymous variant.
Genome position (GRCh38, 1-based): chr8:144,393,732, C>T on the plus strand (G>A on the coding strand, the complement: CPSF1 is on the minus strand). VCF-style: chr8-144393732-C-T. GRCh37 (hg19) VCF-style: chr8-145618947-C-T.
Other names: c.4080G>A (NM_013291.2).
Identifiers: ClinVar variation 3770471 (VCV003770471.15).